The following is an entry in ClinVar:

NM_001395413.1(POR):c.40G>A (p.Glu14Lys)

Gene: POR (cytochrome p450 oxidoreductase; plus strand). Cytogenetic location: 7q11.23.
Variant type: single nucleotide variant.
Coding change: c.40G>A on transcript NM_001395413.1 (MANE Select); coding-DNA position 40, G replaced by A.
Protein change: p.Glu14Lys; replaces glutamic acid 14 with lysine.
Molecular consequence: missense variant.
Genome position (GRCh38, 1-based): chr7:75,954,041, G>A. VCF-style: chr7-75954041-G-A. GRCh37 (hg19) VCF-style: chr7-75583359-G-A.
Other names: c.40G>A, p.Glu14Lys (NM_001367562.3, NM_001382655.3, NM_001382657.2 and 3 more transcripts); short protein forms E14K.
Identifiers: ClinVar variation 3705304 (VCV003705304.1).

ClinVar aggregate classification (germline): Uncertain significance (1 of 4 stars; one submission).

Conditions:
Congenital adrenal hyperplasia due to cytochrome P450 oxidoreductase deficiency. Also called: DISORDERED STEROIDOGENESIS DUE TO POR DEFICIENCY. Identifiers: Orphanet 95699, MedGen C1860042, MONDO:0013310, OMIM 613571.

gnomAD v4.1: 22 of 1,609,984 alleles (0.0014%); highest among the groups gnomAD compares: South Asian, 0.014%; no homozygotes.

Submission:

Labcorp Genetics (formerly Invitae), Labcorp
Classification: Uncertain significance for Congenital adrenal hyperplasia due to cytochrome P450 oxidoreductase deficiency. Last evaluated: 2024-04-26. Review status: criteria provided, single submitter. Criteria: Invitae Variant Classification Sherloc (09022015). Collection method: clinical testing. Allele origin: germline.
Comment: This sequence change replaces glutamic acid, which is acidic and polar, with lysine, which is basic and polar, at codon 17 of the POR protein (p.Glu17Lys). This variant is present in population databases (rs373053855, gnomAD 0.02%). This variant has not been reported in the literature in individuals affected with POR-related conditions. An algorithm developed to predict the effect of missense changes on protein structure and function (PolyPhen-2) suggests that this variant¬†is likely to be tolerated. In summary, the available evidence is currently insufficient to determine the role of this variant in disease. Therefore, it has been classified as a Variant of Uncertain Significance.